The following is an entry in ClinVar:

NM_030777.4(SLC2A10):c.630C>T (p.Gly210=)

Gene: SLC2A10 (solute carrier family 2 member 10; plus strand). Cytogenetic location: 20q13.12.
Variant type: single nucleotide variant.
Coding change: c.630C>T on transcript NM_030777.4 (MANE Select); coding-DNA position 630, C replaced by T.
Protein change: p.Gly210=; no amino-acid change (glycine 210 retained).
Molecular consequence: synonymous variant.
Genome position (GRCh38, 1-based): chr20:46,725,666, C>T. VCF-style: chr20-46725666-C-T. GRCh37 (hg19) VCF-style: chr20-45354305-C-T.
Identifiers: ClinVar variation 241605 (VCV000241605.24), dbSNP rs142431229, ClinGen allele CA9892011.

ClinVar aggregate classification (germline): Benign/Likely benign. Review status: criteria provided, multiple submitters, no conflicts (2 of 4 stars). 7 submissions from 7 submitters: Benign (2); Likely benign (4). 1 of the submissions does not count toward it. Last evaluated 2026-02-01.

Conditions:
SLC2A10-related disorder. Also called: SLC2A10-related condition.
Familial thoracic aortic aneurysm and aortic dissection (TAAD). Also called: Thoracic aortic aneurysms and dissections. Identifiers: Orphanet 91387, MedGen C4707243, MONDO:0019625.
Arterial tortuosity syndrome (ATORS). Identifiers: Orphanet 3342, MedGen C1859726, MONDO:0008818, OMIM 208050.

Allele frequency attached by ClinVar (database versions not stated): gnomAD exomes 0.00011 and 0.00033; ExAC 0.00041; gnomAD 0.00100 and 0.00113; TOPMed 0.00112; 1000 Genomes Project 0.00140; 1000 Genomes Project 30x 0.00141; ESP Exome Variant Server 0.00161.
gnomAD v4.1: 324 of 1,614,020 alleles (0.02%); highest among the groups gnomAD compares: African/African-American, 0.38%; no homozygotes.

Submissions (7):

Labcorp Genetics (formerly Invitae), Labcorp
Classification: Benign for Arterial tortuosity syndrome. Last evaluated: 2026-02-01. Review status: criteria provided, single submitter. Criteria: Invitae Variant Classification Sherloc (09022015). Collection method: clinical testing. Allele origin: germline.

Women's Health and Genetics/Laboratory Corporation of America, LabCorp
Classification: Likely benign. Last evaluated: 2023-07-21. Review status: criteria provided, single submitter. Criteria: LabCorp Variant Classification Summary - May 2015. Collection method: clinical testing. Allele origin: germline.

GeneDx
Classification: Likely benign. Last evaluated: 2021-09-13. Review status: criteria provided, single submitter. Criteria: GeneDx Variant Classification Process June 2021. Collection method: clinical testing. Allele origin: germline. Affected: yes.

Ambry Genetics
Classification: Benign for Familial thoracic aortic aneurysm and aortic dissection. Last evaluated: 2019-04-29. Review status: criteria provided, single submitter. Criteria: Ambry Variant Classification Scheme 2023. Collection method: clinical testing. Allele origin: germline.

Illumina Laboratory Services, Illumina
Classification: Likely benign for Arterial tortuosity syndrome. Last evaluated: 2018-01-13. Review status: criteria provided, single submitter. Criteria: ICSL Variant Classification Criteria 13 December 2019. Collection method: clinical testing. Allele origin: germline.
Comment: This variant was observed in the ICSL laboratory as part of a predisposition screen in an ostensibly healthy population. It had not been previously curated by ICSL or reported in the Human Gene Mutation Database (HGMD: prior to June 1st, 2018), and was therefore a candidate for classification through an automated scoring system. Utilizing variant allele frequency, disease prevalence and penetrance estimates, and inheritance mode, an automated score was calculated to assess if this variant is too frequent to cause the disease. Based on the score and internal cut-off values, a variant classified as likely benign is not then subjected to further curation. The score for this variant resulted in a classification of likely benign for this disease.

Breakthrough Genomics
Classification: Likely benign. Review status: criteria provided, single submitter. Criteria: ACMG Guidelines, 2015. Collection method: not provided. Allele origin: germline. Inheritance: Autosomal recessive inheritance. Affected: yes.

PreventionGenetics, part of Exact Sciences
Classification: Likely benign for SLC2A10-related condition. Last evaluated: 2019-10-28. Review status: no assertion criteria provided. Collection method: clinical testing. Allele origin: germline. Not counted in ClinVar's aggregate classification.
Comment: This variant is classified as likely benign based on ACMG/AMP sequence variant interpretation guidelines (Richards et al. 2015 PMID: 25741868, with internal and published modifications).